The following is an entry in ClinVar:

ClinVar aggregate classification (germline): Uncertain significance (1 of 4 stars; one submission).

gnomAD v4.1: 6 of 1,612,972 alleles (0.00037%); highest among the groups gnomAD compares: African/African-American, 0.0027%; no homozygotes.

Submission:

Labcorp Genetics (formerly Invitae), Labcorp
Classification: Uncertain significance. Last evaluated: 2025-09-03. Review status: criteria provided, single submitter. Criteria: Invitae Variant Classification Sherloc (09022015). Collection method: clinical testing. Allele origin: germline.
Comment: This sequence change replaces methionine, which is neutral and non-polar, with threonine, which is neutral and polar, at codon 398 of the KRT83 protein (p.Met398Thr). This variant is present in population databases (rs151316742, gnomAD 0.008%). This variant has not been reported in the literature in individuals affected with KRT83-related conditions. Invitae Evidence Modeling of protein sequence and biophysical properties (such as structural, functional, and spatial information, amino acid conservation, physicochemical variation, residue mobility, and thermodynamic stability) indicates that this missense variant is not expected to disrupt KRT83 protein function with a negative predictive value of 80%. In summary, the available evidence is currently insufficient to determine the role of this variant in disease. Therefore, it has been classified as a Variant of Uncertain Significance.

NM_002282.3(KRT83):c.1193T>C (p.Met398Thr)

Gene: KRT83 (keratin 83; minus strand). Cytogenetic location: 12q13.13.
Variant type: single nucleotide variant.
Coding change: c.1193T>C on transcript NM_002282.3 (MANE Select); coding-DNA position 1193, T replaced by C.
Protein change: p.Met398Thr; replaces methionine 398 with threonine.
Molecular consequence: missense variant.
Genome position (GRCh38, 1-based): chr12:52,315,962, A>G on the plus strand (T>C on the coding strand, the complement: KRT83 is on the minus strand). VCF-style: chr12-52315962-A-G. GRCh37 (hg19) VCF-style: chr12-52709746-A-G.
Other names: short protein forms M398T.
Identifiers: ClinVar variation 4747841 (VCV004747841.1).